The following is an entry in ClinVar:

ClinVar aggregate classification (germline): Uncertain significance (1 of 4 stars; one submission).

Submission:

GeneDx
Classification: Uncertain significance. Last evaluated: 2023-04-11. Review status: criteria provided, single submitter. Criteria: GeneDx Variant Classification Process June 2021. Collection method: clinical testing. Allele origin: germline. Affected: yes.
Comment: Not observed at significant frequency in large population cohorts (gnomAD); In silico analysis supports that this missense variant has a deleterious effect on protein structure/function; Has not been previously published as pathogenic or benign to our knowledge; This variant is associated with the following publications: (PMID: 26100331, 25609763, 25512093)

NM_001376.5(DYNC1H1):c.10817A>G (p.Asp3606Gly)

Gene: DYNC1H1 (dynein cytoplasmic 1 heavy chain 1; plus strand). Cytogenetic location: 14q32.31.
Variant type: single nucleotide variant.
Coding change: c.10817A>G on transcript NM_001376.5 (MANE Select); coding-DNA position 10817, A replaced by G.
Protein change: p.Asp3606Gly; replaces aspartic acid 3606 with glycine.
Molecular consequence: missense variant.
Genome position (GRCh38, 1-based): chr14:102,036,551, A>G. VCF-style: chr14-102036551-A-G. GRCh37 (hg19) VCF-style: chr14-102502888-A-G.
Other names: short protein forms D3606G.
Identifiers: ClinVar variation 3252280 (VCV003252280.1), dbSNP rs2503835513.